The following is an entry in ClinVar:

NM_000548.5(TSC2):c.3003G>T (p.Gly1001=)

Gene: TSC2 (TSC complex subunit 2; plus strand). Cytogenetic location: 16p13.3.
Variant type: single nucleotide variant.
Coding change: c.3003G>T on transcript NM_000548.5 (MANE Select); coding-DNA position 3003, G replaced by T.
Protein change: p.Gly1001=; no amino-acid change (glycine 1001 retained).
Molecular consequence: synonymous variant.
Genome position (GRCh38, 1-based): chr16:2,079,068, G>T. VCF-style: chr16-2079068-G-T. GRCh37 (hg19) VCF-style: chr16-2129069-G-T.
Other names: c.2871G>T, p.Gly957= (NM_001077183.3, NM_001370404.1); c.3003G>T, p.Gly1001= (NM_001114382.3); c.2763G>T, p.Gly921= (NM_001318827.2); c.2727G>T, p.Gly909= (NM_001318829.2); c.2271G>T, p.Gly757= (NM_001318831.2); c.2904G>T, p.Gly968= (NM_001318832.2); c.2874G>T, p.Gly958= (NM_001363528.2, NM_001370405.1, NM_021055.3).
Identifiers: ClinVar variation 1087340 (VCV001087340.12), dbSNP rs768864105, ClinGen allele CA043807.
Genomic context (GRCh38, chr16:2,079,068, plus strand): 5'-CCTGGTCACGGCCTCTCCCTCCAGCAGGATACAGACGTCCCTCACCAGTGCCAGCTTGGG[G>T]TCTGCAGATGAGAACTCCGTGGCCCAGGCTGACGATAGCCTGAAAAACCTCCACCTGGAG-3'
Protein context (NP_000539.2, residues 991-1011): IQTSLTSASL[Gly1001=]SADENSVAQA

ClinVar aggregate classification (germline): Conflicting classifications of pathogenicity. Review status: criteria provided, conflicting classifications (1 of 4 stars). 2 submissions from 2 submitters: Uncertain significance (1); Likely benign (1). Last evaluated 2025-04-08.

Conditions:
Hereditary cancer-predisposing syndrome. Also called: Neoplastic Syndromes, Hereditary; Hereditary neoplastic syndrome; Hereditary Cancer Syndrome; Tumor predisposition. Identifiers: Orphanet 140162, MedGen C0027672, MeSH D009386, MONDO:0015356.
Tuberous sclerosis 2 (TSC2). Identifiers: Orphanet 805, MedGen C1860707, MONDO:0013199, OMIM 613254.

gnomAD v4.1: 1 of 1,612,972 alleles (0.000062%); highest among the groups gnomAD compares: South Asian, 0.0011%; no homozygotes.

Submissions (2):

Ambry Genetics
Classification: Uncertain significance for Hereditary cancer-predisposing syndrome. Last evaluated: 2025-04-08. Review status: criteria provided, single submitter. Criteria: Ambry Variant Classification Scheme 2023. Collection method: clinical testing. Allele origin: germline.
Comment: The c.3003G>T variant (also known as p.G1001G), located in coding exon 26 of the TSC2 gene, results from a G to T substitution at nucleotide position 3003. This nucleotide substitution does not change the glycine at codon 1001. This nucleotide position is poorly conserved in available vertebrate species. In silico splice site analysis for this alteration is inconclusive. Since supporting evidence is limited at this time, the clinical significance of this alteration remains unclear.

Labcorp Genetics (formerly Invitae), Labcorp
Classification: Likely benign for Tuberous sclerosis 2. Last evaluated: 2022-09-06. Review status: criteria provided, single submitter. Criteria: Invitae Variant Classification Sherloc (09022015). Collection method: clinical testing. Allele origin: germline.